The following is an entry in ClinVar:

NM_001127178.3(PIGG):c.1876C>T (p.Pro626Ser)

Gene: PIGG (phosphatidylinositol glycan anchor biosynthesis class G (EMM blood group); plus strand). Cytogenetic location: 4p16.3.
Variant type: single nucleotide variant.
Coding change: c.1876C>T on transcript NM_001127178.3 (MANE Select); coding-DNA position 1876, C replaced by T.
Protein change: p.Pro626Ser; replaces proline 626 with serine.
Molecular consequence: missense variant. On other transcripts: non-coding transcript variant (6).
Genome position (GRCh38, 1-based): chr4:523,720, C>T. VCF-style: chr4-523720-C-T. GRCh37 (hg19) VCF-style: chr4-517509-C-T.
Other names: c.1609C>T, p.Pro537Ser (NM_001289051.2, NM_001345986.2); c.1477C>T, p.Pro493Ser (NM_001289052.2); c.1585C>T, p.Pro529Ser (NM_001345987.2); c.847C>T, p.Pro283Ser (NM_001345988.2); c.343C>T, p.Pro115Ser (NM_001345990.2, NM_001345991.2); c.778C>T, p.Pro260Ser (NM_001345994.2); c.1852C>T, p.Pro618Ser (NM_017733.5); short protein forms P260S, P493S, P537S, P618S, P626S, P115S, P529S, P283S.
Identifiers: ClinVar variation 949373 (VCV000949373.10), dbSNP rs1726732803, ClinGen allele CA355907488.

ClinVar aggregate classification (germline): Uncertain significance (1 of 4 stars; one submission).

Conditions:
Intellectual disability, autosomal recessive 53 (NEDHSCA). Also called: GLYCOSYLPHOSPHATIDYLINOSITOL BIOSYNTHESIS DEFECT 13; Mental retardation, autosomal recessive 53; NEURODEVELOPMENTAL DISORDER WITH OR WITHOUT HYPOTONIA, SEIZURES, AND CEREBELLAR ATROPHY. Identifiers: Orphanet 488635, MedGen C4310794, MONDO:0014832, OMIM 616917.

Allele frequency attached by ClinVar (database versions not stated): gnomAD exomes below 0.00001.
gnomAD v4.1: 1 of 1,614,192 alleles (0.000062%); highest among the groups gnomAD compares: Non-Finnish European, 0.000085%; no homozygotes.

Submission:

Labcorp Genetics (formerly Invitae), Labcorp
Classification: Uncertain significance for Intellectual disability, autosomal recessive 53. Last evaluated: 2022-07-11. Review status: criteria provided, single submitter. Criteria: Invitae Variant Classification Sherloc (09022015). Collection method: clinical testing. Allele origin: germline.
Comment: This variant has not been reported in the literature in individuals affected with PIGG-related conditions. This sequence change replaces proline, which is neutral and non-polar, with serine, which is neutral and polar, at codon 626 of the PIGG protein (p.Pro626Ser). This variant is not present in population databases (gnomAD no frequency). ClinVar contains an entry for this variant (Variation ID: 949373). Algorithms developed to predict the effect of missense changes on protein structure and function (SIFT, PolyPhen-2, Align-GVGD) all suggest that this variant is likely to be tolerated. Algorithms developed to predict the effect of sequence changes on RNA splicing suggest that this variant may create or strengthen a splice site. In summary, the available evidence is currently insufficient to determine the role of this variant in disease. Therefore, it has been classified as a Variant of Uncertain Significance.